The following is an entry in ClinVar:

NM_001126108.2(SLC12A3):c.1452C>A (p.Cys484Ter)

Gene: SLC12A3 (solute carrier family 12 member 3; plus strand). Cytogenetic location: 16q13.
Variant type: single nucleotide variant.
Coding change: c.1452C>A on transcript NM_001126108.2 (MANE Select); coding-DNA position 1452, C replaced by A.
Protein change: p.Cys484Ter; replaces cysteine 484 with a stop codon.
Molecular consequence: nonsense.
Genome position (GRCh38, 1-based): chr16:56,880,138, C>A. VCF-style: chr16-56880138-C-A. GRCh37 (hg19) VCF-style: chr16-56914050-C-A.
Other names: c.1452C>A (NM_000339.2); c.1452C>A, p.Cys484Ter (NM_000339.3); c.1449C>A, p.Cys483Ter (NM_001126107.2, NM_001410896.1); short protein forms C483*, C484*.
Identifiers: ClinVar variation 1709144 (VCV001709144.4), dbSNP rs1028685823, ClinGen allele CA395987942.

ClinVar aggregate classification (germline): Pathogenic/Likely pathogenic. Review status: criteria provided, multiple submitters, no conflicts (2 of 4 stars). 2 submissions from 2 submitters: Pathogenic (1); Likely pathogenic (1). Last evaluated 2024-11-17.

Conditions:
Familial hypokalemia-hypomagnesemia (GTLMNS). Also called: HYPOMAGNESEMIA-HYPOKALEMIA, PRIMARY RENOTUBULAR, WITH HYPOCALCIURIA; POTASSIUM AND MAGNESIUM DEPLETION; gitelman syndrome. Identifiers: Orphanet 358, MedGen C0268450, MONDO:0009904, OMIM 263800.

gnomAD v4.1: 1 of 1,605,918 alleles (0.000062%); highest among the groups gnomAD compares: Non-Finnish European, 0.000085%; no homozygotes.

Submissions (2):

Natera, Inc.
Classification: Pathogenic for Gitelman syndrome. Last evaluated: 2024-11-17. Review status: criteria provided, single submitter. Criteria: Natera Variant Classification Schema (03/2026). Collection method: clinical testing. Allele origin: germline.
Comment: The c.1452C>A variant in SLC12A3 is a nonsense variant predicted to introduce a stop codon at amino acid 484. This variant is expected to result in nonsense mediated decay, truncation, or a dysfunctional protein product. This variant is rare in the general population with a frequency below the threshold expected for the associated phenotype(s). This variant has been observed in one or more individuals affected with the associated recessive disease, as either homozygous or compound heterozygous with a second variant (PMID: 27454426). Given the available evidence, this variant is classified as Pathogenic.

MGZ Medical Genetics Center
Classification: Likely pathogenic for Familial hypokalemia-hypomagnesemia. Last evaluated: 2022-05-12. Review status: criteria provided, single submitter. Criteria: ACMG Guidelines, 2015. Collection method: clinical testing. Allele origin: germline. Affected: yes. Observed: 1 variant allele.
Comment: ACMG criteria applied: PVS1, PM2_SUP

Literature cited by the submitters: PubMed 27454426 (cited by Natera, Inc.).